The following is an entry in ClinVar:

NM_020877.5(DNAH2):c.5247+3G>A

Gene: DNAH2 (dynein axonemal heavy chain 2; plus strand). Cytogenetic location: 17p13.1.
Variant type: single nucleotide variant.
Coding change: c.5247+3G>A on transcript NM_020877.5 (MANE Select); 3 bases into the intron after coding-DNA position 5247, G replaced by A.
Molecular consequence: intron variant.
Genome position (GRCh38, 1-based): chr17:7,777,637, G>A. VCF-style: chr17-7777637-G-A. GRCh37 (hg19) VCF-style: chr17-7680955-G-A.
Identifiers: ClinVar variation 777122 (VCV000777122.6), dbSNP rs79357671, ClinGen allele CA8357377.
Genomic context (GRCh38, chr17:7,777,637, plus strand): 5'-CCTCATGGATGTCAATTCCTTTGACTGGCTCAGCCAACTTCGGTTCTACTGGGAGAAGGT[G>A]CCAGATGGGCCACCTCCCCACTCTCTTACCGTAAAATGGATCCTAATGCTTTTATTGCAT-3'

ClinVar aggregate classification (germline): Benign. Review status: criteria provided, single submitter (1 of 4 stars). 2 submissions from 2 submitters: Benign (1). 1 of the submissions does not count toward it. Last evaluated 2019-12-31.

Conditions:
DNAH2-related disorder. Also called: DNAH2-related condition.

Allele frequency attached by ClinVar (database versions not stated): gnomAD exomes 0.00242 and 0.00580; ExAC 0.00663; gnomAD 0.01999 and 0.02147; 1000 Genomes Project 0.02137; ESP Exome Variant Server 0.02207; TOPMed 0.02351; 1000 Genomes Project 30x 0.02452.
gnomAD v4.1: 6,743 of 1,613,766 alleles (0.42%); highest among the groups gnomAD compares: African/African-American, 6.8%; 190 homozygotes.

Submissions (2):

Labcorp Genetics (formerly Invitae), Labcorp
Classification: Benign. Last evaluated: 2019-12-31. Review status: criteria provided, single submitter. Criteria: Invitae Variant Classification Sherloc (09022015). Collection method: clinical testing. Allele origin: germline.

PreventionGenetics, part of Exact Sciences
Classification: Benign for DNAH2-related condition. Last evaluated: 2019-02-22. Review status: no assertion criteria provided. Collection method: clinical testing. Allele origin: germline. Not counted in ClinVar's aggregate classification.
Comment: This variant is classified as benign based on ACMG/AMP sequence variant interpretation guidelines (Richards et al. 2015 PMID: 25741868, with internal and published modifications).